The following is an entry in ClinVar:

NM_018723.4(RBFOX1):c.167C>G (p.Thr56Ser)

Gene: RBFOX1 (RNA binding fox-1 homolog 1; plus strand). Cytogenetic location: 16p13.3.
Variant type: single nucleotide variant.
Coding change: c.167C>G on transcript NM_018723.4 (MANE Select); coding-DNA position 167, C replaced by G.
Protein change: p.Thr56Ser; replaces threonine 56 with serine.
Molecular consequence: missense variant.
Genome position (GRCh38, 1-based): chr16:7,518,286, C>G. VCF-style: chr16-7518286-C-G. GRCh37 (hg19) VCF-style: chr16-7568288-C-G.
Other names: c.167C>G, p.Thr56Ser (NM_001142333.2, NM_001142334.2, NM_001364800.2 and 1 more transcripts); c.296C>G, p.Thr99Ser (NM_001308117.1, NM_001411047.1, NM_001415891.1 and 5 more transcripts); c.764C>G, p.Thr255Ser (NM_001415887.1, NM_001415888.1); c.275C>G, p.Thr92Ser (NM_001415889.1, NM_001415892.1, NM_001415894.1 and 5 more transcripts); c.242C>G, p.Thr81Ser (NM_001415890.1, NM_001415893.1, NM_001415899.1 and 4 more transcripts); c.227C>G, p.Thr76Ser (NM_001415896.1, NM_001415904.1, NM_001415906.1 and 4 more transcripts); c.173C>G, p.Thr58Ser (NM_001415902.1, NM_001415911.1, NM_001415917.1); short protein forms T255S, T56S, T99S, T76S, T58S, T81S, T92S.
Identifiers: ClinVar variation 3712325 (VCV003712325.2).
Genomic context (GRCh38, chr16:7,518,286, plus strand): 5'-GTATCCCCGCGGAATACACGGCCCCTCATCCCCACCCCGCGCCAGAGTACACAGGCCAGA[C>G]CACGGTTCCCGAGCACACATTAAACCTGTACCCTCCCGCCCAGACGCACTCCGAGCAGAG-3'
Protein context (NP_061193.2, residues 46-66): PHPAPEYTGQ[Thr56Ser]TVPEHTLNLY

ClinVar aggregate classification (germline): Uncertain significance (1 of 4 stars; one submission).

Conditions:
Idiopathic generalized epilepsy. Also called: Generalised epilepsy; EIG. Identifiers: MedGen C0270850, MONDO:0005579, OMIM 600669.

Submission:

Labcorp Genetics (formerly Invitae), Labcorp
Classification: Uncertain significance for Idiopathic generalized epilepsy. Last evaluated: 2024-09-15. Review status: criteria provided, single submitter. Criteria: Invitae Variant Classification Sherloc (09022015). Collection method: clinical testing. Allele origin: germline.
Comment: This sequence change replaces threonine, which is neutral and polar, with serine, which is neutral and polar, at codon 76 of the RBFOX1 protein (p.Thr76Ser). This variant is not present in population databases (gnomAD no frequency). This variant has not been reported in the literature in individuals affected with RBFOX1-related conditions. Invitae Evidence Modeling of protein sequence and biophysical properties (such as structural, functional, and spatial information, amino acid conservation, physicochemical variation, residue mobility, and thermodynamic stability) indicates that this missense variant is not expected to disrupt RBFOX1 protein function with a negative predictive value of 80%. In summary, the available evidence is currently insufficient to determine the role of this variant in disease. Therefore, it has been classified as a Variant of Uncertain Significance.